The following is an entry in ClinVar:

NM_007194.4(CHEK2):c.847-1G>T

Gene: CHEK2 (checkpoint kinase 2; minus strand). Cytogenetic location: 22q12.1.
Variant type: single nucleotide variant.
Coding change: c.847-1G>T on transcript NM_007194.4 (MANE Select); the canonical splice acceptor site of the intron before coding-DNA position 847, G replaced by T.
Molecular consequence: splice acceptor variant.
Genome position (GRCh38, 1-based): chr22:28,703,567, C>A on the plus strand (G>T on the coding strand, the complement: CHEK2 is on the minus strand). VCF-style: chr22-28703567-C-A. GRCh37 (hg19) VCF-style: chr22-29099555-C-A.
Other names: c.184-1G>T (NM_001437942.1, NM_001257387.3); c.646-1G>T (NM_001349956.3); c.847-1G>T (NM_145862.3); c.940-1G>T (NM_001438295.1, NM_001438293.1); c.976-1G>T (NM_001438294.1, NM_001005735.3).
Identifiers: ClinVar variation 1801561 (VCV001801561.17), dbSNP rs878854926, ClinGen allele CA411101391.

ClinVar aggregate classification (germline): Likely pathogenic. Review status: criteria provided, multiple submitters, no conflicts (2 of 4 stars). 4 submissions from 4 submitters: Likely pathogenic (3). 1 of the submissions does not count toward it. Last evaluated 2023-06-27.

Conditions:
Familial cancer of breast. Also called: Hereditary breast cancer; hereditary breast carcinoma; BREAST CANCER, FAMILIAL. Identifiers: Orphanet 227535, MedGen C0346153, MONDO:0016419, OMIM 114480. Disease mechanism: loss of function.
Gastric cancer. Also called: Malignant tumor of stomach; Stomach cancer. Identifiers: MedGen C0024623, MeSH D013274, MONDO:0001056, OMIM 613659, HP:0012126.

Submissions (4):

Myriad Genetics, Inc.
Classification: Likely pathogenic for Familial cancer of breast. Last evaluated: 2023-06-27. Review status: criteria provided, single submitter. Criteria: Myriad Autosomal Dominant, Autosomal Recessive and X-Linked Classification Criteria (2023). Collection method: clinical testing. Allele origin: unknown.
Comment: This variant is considered likely pathogenic. This variant occurs within a consensus splice junction and is predicted to result in abnormal mRNA splicing of either an out-of-frame exon or an in-frame exon necessary for protein stability and/or normal function.

Baylor Genetics
Classification: Likely pathogenic for Familial cancer of breast. Last evaluated: 2022-11-14. Review status: criteria provided, single submitter. Criteria: ACMG Guidelines, 2015. Collection method: clinical testing. Allele origin: unknown.

Labcorp Genetics (formerly Invitae), Labcorp
Classification: Likely pathogenic for Familial cancer of breast. Last evaluated: 2022-01-03. Review status: criteria provided, single submitter. Criteria: Invitae Variant Classification Sherloc (09022015). Collection method: clinical testing. Allele origin: germline.
Comment: This sequence change affects an acceptor splice site in intron 7 of the CHEK2 gene. It is expected to disrupt RNA splicing. Variants that disrupt the donor or acceptor splice site typically lead to a loss of protein function (PMID: 16199547), and loss-of-function variants in CHEK2 are known to be pathogenic (PMID: 21876083, 24713400). This variant is not present in population databases (gnomAD no frequency). Disruption of this splice site has been observed in individual(s) with breast cancer (PMID: 30287823, 32427313). Algorithms developed to predict the effect of sequence changes on RNA splicing suggest that this variant may disrupt the consensus splice site. In summary, the currently available evidence indicates that the variant is pathogenic, but additional data are needed to prove that conclusively. Therefore, this variant has been classified as Likely Pathogenic.

Laboratory for Genotyping Development, RIKEN
Classification: Pathogenic for Gastric cancer. Last evaluated: 2021-07-01. Review status: no assertion criteria provided. Collection method: research. Allele origin: germline. Not counted in ClinVar's aggregate classification.

Literature cited by the submitters: PubMed 16199547 (cited by Labcorp Genetics (formerly Invitae), Labcorp); PubMed 21876083 (cited by Labcorp Genetics (formerly Invitae), Labcorp); PubMed 24713400 (cited by Labcorp Genetics (formerly Invitae), Labcorp); PubMed 30287823 (cited by Labcorp Genetics (formerly Invitae), Labcorp); PubMed 32427313 (cited by Labcorp Genetics (formerly Invitae), Labcorp); PubMed 36988593 (cited by Laboratory for Genotyping Development, RIKEN).